The following is an entry in ClinVar:

ClinVar aggregate classification (germline): Uncertain significance (1 of 4 stars; one submission).

Conditions:
Hereditary pancreatitis (PCTT). Also called: Hereditary chronic pancreatitis; PRSS1-Related Hereditary Pancreatitis. Identifiers: Orphanet 676, MedGen C0238339, MONDO:0008185, OMIM 167800.

Submission:

Ambry Genetics
Classification: Uncertain significance for Hereditary pancreatitis. Last evaluated: 2026-03-21. Review status: criteria provided, single submitter. Criteria: Ambry Variant Classification Scheme 2023. Collection method: clinical testing. Allele origin: germline.
Comment: The p.L5M variant (also known as c.13C>A), located in coding exon 1 of the CPA1 gene, results from a C to A substitution at nucleotide position 13. The leucine at codon 5 is replaced by methionine, an amino acid with highly similar properties. This amino acid position is conserved. In addition, this alteration is predicted to be tolerated by in silico analysis. Based on the available evidence, the clinical significance of this variant remains unclear.

NM_001868.4(CPA1):c.13C>A (p.Leu5Met)

Gene: CPA1 (carboxypeptidase A1; plus strand). Cytogenetic location: 7q32.2.
Variant type: single nucleotide variant.
Coding change: c.13C>A on transcript NM_001868.4 (MANE Select); coding-DNA position 13, C replaced by A.
Protein change: p.Leu5Met; replaces leucine 5 with methionine.
Molecular consequence: missense variant.
Genome position (GRCh38, 1-based): chr7:130,380,533, C>A. VCF-style: chr7-130380533-C-A. GRCh37 (hg19) VCF-style: chr7-130020374-C-A.
Other names: short protein forms L5M.
Identifiers: ClinVar variation 4869356 (VCV004869356.1).